The following is an entry in ClinVar:

ClinVar aggregate classification (germline): Likely pathogenic (1 of 4 stars; one submission).

Conditions:
Hereditary spastic paraplegia 39 (SPG39). Also called: Spastic Paraplegia Type 39 (SPG39); SPASTIC PARAPLEGIA 39, AUTOSOMAL RECESSIVE. Identifiers: Orphanet 139480, MedGen C2677586, MONDO:0012787, OMIM 612020.

Allele frequency attached by ClinVar (database versions not stated): gnomAD exomes below 0.00001; ExAC 0.00001.

Submission:

Labcorp Genetics (formerly Invitae), Labcorp
Classification: Likely pathogenic for Hereditary spastic paraplegia 39. Last evaluated: 2023-08-11. Review status: criteria provided, single submitter. Criteria: Invitae Variant Classification Sherloc (09022015). Collection method: clinical testing. Allele origin: germline.
Comment: This sequence change affects a donor splice site in intron 33 of the PNPLA6 gene. It is expected to disrupt RNA splicing. Variants that disrupt the donor or acceptor splice site typically lead to a loss of protein function (PMID: 16199547), and loss-of-function variants in PNPLA6 are known to be pathogenic (PMID: 24355708). The frequency data for this variant in the population databases is considered unreliable, as metrics indicate poor data quality at this position in the gnomAD database. This variant has not been reported in the literature in individuals affected with PNPLA6-related conditions. Algorithms developed to predict the effect of sequence changes on RNA splicing suggest that this variant may disrupt the consensus splice site. In summary, the currently available evidence indicates that the variant is pathogenic, but additional data are needed to prove that conclusively. Therefore, this variant has been classified as Likely Pathogenic.

Literature cited by the submitters: PubMed 16199547; PubMed 24355708.

NM_001166114.2(PNPLA6):c.3913+1G>A

Gene: PNPLA6 (patatin like domain 6, lysophospholipase; plus strand). Cytogenetic location: 19p13.2.
Variant type: single nucleotide variant.
Coding change: c.3913+1G>A on transcript NM_001166114.2 (MANE Select); the canonical splice donor site of the intron after coding-DNA position 3913, G replaced by A.
Molecular consequence: splice donor variant.
Genome position (GRCh38, 1-based): chr19:7,561,111, G>A. VCF-style: chr19-7561111-G-A. GRCh37 (hg19) VCF-style: chr19-7625997-G-A.
Other names: c.3799+1G>A (NM_006702.5, NM_001166113.1); c.3718+1G>A (NM_001166112.2); c.3943+1G>A (NM_001166111.2).
Identifiers: ClinVar variation 2747437 (VCV002747437.3), dbSNP rs757373736, ClinGen allele CA9140625.